The following continues an entry in ClinVar:

NM_000138.5(FBN1):c.1633C>T (p.Arg545Cys)

Gene: FBN1. ClinVar aggregate classification (germline): Pathogenic/Likely pathogenic. Pathogenic (16); Likely pathogenic (1).

Submissions 7 to 18 of 18:

Victorian Clinical Genetics Services, Murdoch Childrens Research Institute
Classification: Pathogenic for Ectopia lentis 1, isolated, autosomal dominant. Last evaluated: 2024-10-09. Review status: criteria provided, single submitter. Criteria: ACMG Guidelines, 2015. Collection method: clinical testing. Allele origin: germline. Inheritance: Autosomal dominant inheritance. Affected: yes.
Comment: Based on the classification scheme VCGS_Germline_v1.3.4, this variant is classified as Pathogenic. Following criteria are met: 0103 - Dominant negative and loss of function are known mechanisms of disease in this gene and are associated with FBN1-related disease. Variants predicted to result in nonsense mediated decay cause loss of function effects, and are more commonly associated with severe Marfan syndrome (MIM#154700). Missense variants with both dominant negative and loss of function effects on protein function, are associated with Marfan syndrome and ectopia lentis (MIM#129600) (OMIM, PMID: 29357934). The exact genotype-phenotype correlation for this gene is still unclear, and is compounded by variable expressivity (PMID: 20301510). (I) 0107 - This gene is predominantly associated with autosomal dominant disease; autosomal recessive forms of Marfan syndrome have rarely been reported (PMID: 27274304; 31950671). (I) 0115 - Variants in this gene are known to have variable expressivity. The genotype-phenotype correlations for this gene are unclear, with single variants reported in patients with a range of phenotypes (PMID: 20301510, OMIM). (I) 0200 - Variant is predicted to result in a missense amino acid change from arginine to cysteine. (I) 0251 - This variant is heterozygous. (I) 0301 - Variant is absent from gnomAD (both v2 and v3). (SP) 0309 - An alternative amino acid change at the same position has been observed in gnomAD (v3) (2 heterozygotes, 0 homozygotes). (I) 0501 - Missense variant consistently predicted to be damaging by multiple in silico tools or highly conserved with a major amino acid change. (SP) 0600 - Variant is located in the annotated calcium binding EGF domain (DECIPHER). (I) 0801 - This variant has strong previous evidence of pathogenicity in unrelated individuals. This variant has been classified as pathogenic by multiple clinical laboratories in Clinvar, and has been observed in individuals with ectopia lentis or Marfan syndrome in the literature (PMIDs: 12446365, 25053872). (I) Legend: (SP) - Supporting pathogenic, (I) - Information, (SB) - Supporting benign

Mayo Clinic Laboratories, Mayo Clinic
Classification: Pathogenic. Last evaluated: 2024-09-10. Review status: criteria provided, single submitter. Criteria: ACMG Guidelines, 2015. Collection method: clinical testing. Allele origin: germline. Observed: 1 variant allele.
Comment: PP1_strong, PP3, PM1, PM2, PS4_moderate

Blueprint Genetics
Classification: Pathogenic for FBN1-related disorders. Last evaluated: 2024-07-29. Review status: criteria provided, single submitter. Criteria: ACMG Guidelines, 2015. Collection method: clinical testing. Allele origin: germline. Affected: yes. Observed: 5 variant alleles.

Fulgent Genetics
Classification: Pathogenic for Acromicric dysplasia; Ectopia lentis 1, isolated, autosomal dominant; Marfan syndrome; Stiff skin syndrome; MASS syndrome; Weill-Marchesani syndrome 2, dominant; Geleophysic dysplasia 2; Progeroid and marfanoid aspect-lipodystrophy syndrome. Last evaluated: 2022-04-11. Review status: criteria provided, single submitter. Criteria: ACMG Guidelines, 2015. Collection method: clinical testing. Allele origin: unknown.

CHEO Genetics Diagnostic Laboratory, Children's Hospital of Eastern Ontario
Classification: Pathogenic for Familial thoracic aortic aneurysm and aortic dissection. Last evaluated: 2021-11-17. Review status: criteria provided, single submitter. Criteria: ACMG Guidelines, 2015. Collection method: clinical testing. Allele origin: germline.

GeneDx
Classification: Pathogenic. Last evaluated: 2021-11-04. Review status: criteria provided, single submitter. Criteria: GeneDx Variant Classification Process June 2021. Collection method: clinical testing. Allele origin: germline. Affected: yes.
Comment: Not observed at significant frequency in large population cohorts (Lek et al., 2016); Introduces a new cysteine residue within a calcium-binding EGF-like domain of the FBN1 gene, which may affect disulfide bonding and is predicted to alter the structure and function of the protein; cysteine substitutions in the calcium-binding EGF-like domains represent the majority of pathogenic missense changes associated with FBN1-related disorders (Collod-Beroud et al., 2003); In silico analysis supports that this missense variant has a deleterious effect on protein structure/function; Reported in ClinVar as pathogenic or likely pathogenic (ClinVar Variant ID#180352; Landrum et al., 2016); This variant is associated with the following publications: (PMID: 11700157, 20021881, 20564469, 12446365, 27611364, 22772377, 28642162, 25053872, 31447099, 32123317, 12938084, 19159394, 27353645, 9338581, 17679947)

Color Diagnostics, LLC DBA Color Health
Classification: Pathogenic for Familial thoracic aortic aneurysm and aortic dissection. Last evaluated: 2021-08-09. Review status: criteria provided, single submitter. Criteria: ACMG Guidelines, 2015. Collection method: clinical testing. Allele origin: germline.
Comment: This missense variant replaces arginine with cysteine at codon 545 in an epidermal-growth-factor (EGF)-like domain of the FBN1 protein. Although functional studies have not been reported, this variant generates a cysteine residue in an important functional domain and is likely to affect protein structure and stability (PMID: 4750422, 16677079). Computational prediction suggests that this variant may have deleterious impact on protein structure and function (internally defined REVEL score threshold >= 0.7, PMID: 27666373). This variant has been reported in multiple individuals affected with Marfan syndrome, ectopia lentis or aortopathy (PMID: 12446365, 15241795, 17679947, 19159394, 20564469, 27611364, 27353645). This variant has been reported to segregate with aortic dissection and ectopia lentis in ten individuals from a family affected with Marfan syndrome (PMID: 27353645). This variant has not been identified in the general population by the Genome Aggregation Database (gnomAD). Based on the available evidence, this variant is classified as Pathogenic.

Human Genome Sequencing Center Clinical Lab, Baylor College of Medicine
Classification: Pathogenic for Marfan syndrome. Last evaluated: 2018-10-13. Review status: criteria provided, single submitter. Criteria: ACMG Guidelines, 2015. Collection method: clinical testing. Allele origin: germline.
Comment: The c.1633C>T (p.Arg545Cys) variant in the FBN1 gene has been reported in multiple patients and segregated in two unrelated families with Marfan syndrome (PMID: 9338581, 11700157, 17657824, 19159394, 25944730, 27353645). The variant is not observed in the gnomAD. Therefore, this c.1633C>T (p.Arg545Cys) variant is classified as pathogenic.

ARUP Laboratories, Molecular Genetics and Genomics, ARUP Laboratories
Classification: Pathogenic. Last evaluated: 2017-03-23. Review status: criteria provided, single submitter. Criteria: ARUP Molecular Germline Variant Investigation Process. Collection method: clinical testing. Allele origin: germline.

Women's Health and Genetics/Laboratory Corporation of America, LabCorp
Classification: Pathogenic for Marfan Syndrome/Loeys-Dietz Syndrome/Familial Thoracic Aortic Aneurysms and Dissections. Last evaluated: 2016-10-10. Review status: criteria provided, single submitter. Criteria: LabCorp Variant Classification Summary - May 2015. Collection method: clinical testing. Allele origin: germline.
Comment: Variant summary: The FBN1 c.1633C>T (p.Arg545Cys) variant involves the alteration of a highly conserved nucleotide and is located in the Ca2+-binding EGF-like #4 domain with 5/5 in silico tools predicting a deleterious outcome. This change disrupts disulfide bonds 541-555 (C4) which affects the secondary or tertiary structure and possibly impairing fibrillin interactions. The variant is absent from control dataset of ExAC and but has been reported in numerous affected individuals predominantly with isolated EL via published reports, although several pts with classical MFS have also been reported, including within families presenting with EL. Two published reports clearly indicate segregation of the variant with the disease (Hayward, 1997 and Li, 2016). The variant has been cited by several reputable databases/clinical laboratories as Pathogenic. Taking together, the variant was classified as Pathogenic.

Suma Genomics
Classification: Pathogenic for Ectopia lentis 1, isolated, autosomal dominant. Review status: criteria provided, single submitter. Criteria: ACMG Guidelines, 2015. Collection method: clinical testing. Allele origin: inherited. Inheritance: Autosomal dominant inheritance. Affected: yes.

Center for Medical Genetics Ghent, University of Ghent
Classification: Likely pathogenic for Marfan syndrome. Last evaluated: 2017-11-07. Review status: no assertion criteria provided. Collection method: clinical testing. Allele origin: germline. Affected: yes. Not counted in ClinVar's aggregate classification.

Literature cited by the submitters: PubMed 9338581 (cited by 5 submitters); PubMed 11700157 (cited by Ambry Genetics and Women's Health and Genetics/Laboratory Corporation of America, LabCorp); PubMed 15161917 (cited by Ambry Genetics and Molecular Genetics, Royal Melbourne Hospital); PubMed 17657824 (cited by Ambry Genetics and Women's Health and Genetics/Laboratory Corporation of America, LabCorp); PubMed 17679947 (cited by 4 submitters); PubMed 25053872 (cited by 3 submitters); PubMed 27353645 (cited by 5 submitters); PubMed 12446365 (cited by 5 submitters); PubMed 15241795 (cited by 3 submitters); PubMed 19159394 (cited by 3 submitters); PubMed 20564469 (cited by 4 submitters); PubMed 27611364 (cited by 3 submitters); PubMed 27906200 (cited by 3billion); PubMed 25652356 (cited by Molecular Genetics, Royal Melbourne Hospital); PubMed 31741853 (cited by Molecular Genetics, Royal Melbourne Hospital); PubMed 34281902 (cited by Molecular Genetics, Royal Melbourne Hospital and Mayo Clinic Laboratories, Mayo Clinic); PubMed 20301510 (cited by Victorian Clinical Genetics Services, Murdoch Childrens Research Institute); PubMed 27274304 (cited by Victorian Clinical Genetics Services, Murdoch Childrens Research Institute); PubMed 29357934 (cited by Victorian Clinical Genetics Services, Murdoch Childrens Research Institute); PubMed 31447099 (cited by Mayo Clinic Laboratories, Mayo Clinic); PubMed 32123317 (cited by Mayo Clinic Laboratories, Mayo Clinic); PubMed 33174221 (cited by Mayo Clinic Laboratories, Mayo Clinic); PubMed 35042684 (cited by Mayo Clinic Laboratories, Mayo Clinic); PubMed 35943490 (cited by Mayo Clinic Laboratories, Mayo Clinic); PubMed 36670079 (cited by Mayo Clinic Laboratories, Mayo Clinic); PubMed 36729443 (cited by Mayo Clinic Laboratories, Mayo Clinic); PubMed 38190127 (cited by Mayo Clinic Laboratories, Mayo Clinic); PubMed 4750422 (cited by Color Diagnostics, LLC DBA Color Health); PubMed 16677079 (cited by Color Diagnostics, LLC DBA Color Health); PubMed 15054843 (cited by Women's Health and Genetics/Laboratory Corporation of America, LabCorp); PubMed 23719250 (cited by Women's Health and Genetics/Laboratory Corporation of America, LabCorp); PubMed 18615205 (cited by Women's Health and Genetics/Laboratory Corporation of America, LabCorp); PubMed 18087243 (cited by Women's Health and Genetics/Laboratory Corporation of America, LabCorp); PubMed 22772377 (cited by Women's Health and Genetics/Laboratory Corporation of America, LabCorp); PubMed 17418587 (cited by Women's Health and Genetics/Laboratory Corporation of America, LabCorp); PubMed 10464652 (cited by Women's Health and Genetics/Laboratory Corporation of America, LabCorp); PubMed 12938084 (cited by Women's Health and Genetics/Laboratory Corporation of America, LabCorp); PubMed 9399842 (cited by Women's Health and Genetics/Laboratory Corporation of America, LabCorp); PubMed 25944730 (cited by Women's Health and Genetics/Laboratory Corporation of America, LabCorp); PubMed 9401003 (cited by Women's Health and Genetics/Laboratory Corporation of America, LabCorp); PubMed 16971892 (cited by Women's Health and Genetics/Laboratory Corporation of America, LabCorp); PubMed 11068200 (cited by Women's Health and Genetics/Laboratory Corporation of America, LabCorp); PubMed 18079676 (cited by Women's Health and Genetics/Laboratory Corporation of America, LabCorp).